The following is an entry in ClinVar:

ClinVar aggregate classification (germline): Uncertain significance. Review status: criteria provided, multiple submitters, no conflicts (2 of 4 stars). 3 submissions from 3 submitters: Uncertain significance (3). Last evaluated 2025-12-16.

Conditions:
Hereditary cancer-predisposing syndrome. Also called: Hereditary Cancer Syndrome; Neoplastic Syndromes, Hereditary; Hereditary neoplastic syndrome; Tumor predisposition. Identifiers: Orphanet 140162, MedGen C0027672, MeSH D009386, MONDO:0015356.

Allele frequency attached by ClinVar (database versions not stated): ExAC 0.00001; gnomAD 0.00001; gnomAD exomes 0.00001; TOPMed 0.00001.
gnomAD v4.1: 5 of 1,613,876 alleles (0.00031%); highest among the groups gnomAD compares: East Asian, 0.0089%; no homozygotes.

Submissions (3):

Labcorp Genetics (formerly Invitae), Labcorp
Classification: Uncertain significance. Last evaluated: 2025-12-16. Review status: criteria provided, single submitter. Criteria: Invitae Variant Classification Sherloc (09022015). Collection method: clinical testing. Allele origin: germline.
Comment: This sequence change replaces cysteine, which is neutral and slightly polar, with glycine, which is neutral and non-polar, at codon 833 of the MSH3 protein (p.Cys833Gly). This variant is present in population databases (rs750604433, gnomAD 0.02%). This variant has not been reported in the literature in individuals affected with MSH3-related conditions. ClinVar contains an entry for this variant (Variation ID: 847730). An algorithm developed to predict the effect of missense changes on protein structure and function (PolyPhen-2) suggests that this variant is likely to be disruptive. In summary, the available evidence is currently insufficient to determine the role of this variant in disease. Therefore, it has been classified as a Variant of Uncertain Significance.

Ambry Genetics
Classification: Uncertain significance for Hereditary cancer-predisposing syndrome. Last evaluated: 2025-05-02. Review status: criteria provided, single submitter. Criteria: Ambry Variant Classification Scheme 2023. Collection method: clinical testing. Allele origin: germline.
Comment: The p.C833G variant (also known as c.2497T>G), located in coding exon 18 of the MSH3 gene, results from a T to G substitution at nucleotide position 2497. The cysteine at codon 833 is replaced by glycine, an amino acid with highly dissimilar properties. This amino acid position is highly conserved in available vertebrate species. In addition, this alteration is predicted to be deleterious by in silico analysis. Since supporting evidence is limited at this time, the clinical significance of this alteration remains unclear.

Blueprint Genetics
Classification: Uncertain significance. Last evaluated: 2024-05-06. Review status: criteria provided, single submitter. Criteria: ACMG Guidelines, 2015. Collection method: clinical testing. Allele origin: germline.

NM_002439.5(MSH3):c.2497T>G (p.Cys833Gly)

Gene: MSH3 (mutS homolog 3; plus strand). Cytogenetic location: 5q14.1.
Variant type: single nucleotide variant.
Coding change: c.2497T>G on transcript NM_002439.5 (MANE Select); coding-DNA position 2497, T replaced by G.
Protein change: p.Cys833Gly; replaces cysteine 833 with glycine.
Molecular consequence: missense variant.
Genome position (GRCh38, 1-based): chr5:80,787,626, T>G. VCF-style: chr5-80787626-T-G. GRCh37 (hg19) VCF-style: chr5-80083445-T-G.
Other names: short protein forms C833G.
Identifiers: ClinVar variation 847730 (VCV000847730.12), dbSNP rs750604433, ClinGen allele CA3328270.